The following is an entry in ClinVar:

NM_020937.4(FANCM):c.56C>T (p.Ser19Leu)

Genes: FANCM (FA complementation group M; plus strand), LOC130055524 (ATAC-STARR-seq lymphoblastoid active region 8299; plus strand). Cytogenetic location: 14q21.2.
Variant type: single nucleotide variant.
Coding change: c.56C>T on transcript NM_020937.4 (MANE Select); coding-DNA position 56, C replaced by T.
Protein change: p.Ser19Leu; replaces serine 19 with leucine.
Molecular consequence: missense variant.
Genome position (GRCh38, 1-based): chr14:45,136,087, C>T. VCF-style: chr14-45136087-C-T. GRCh37 (hg19) VCF-style: chr14-45605290-C-T.
Other names: c.56C>T, p.Ser19Leu (NM_001308133.2, NM_001308134.2); short protein forms S19L.
Identifiers: ClinVar variation 841002 (VCV000841002.10), dbSNP rs201383385, ClinGen allele CA259602101.
Genomic context (GRCh38, chr14:45,136,087, plus strand): 5'-GCCTAATGAGCGGACGGCAAAGAACGCTTTTTCAGACGTGGGGCTCAAGTATCTCCCGAT[C>T]ATCTGGGACTCCGGGTTGCAGCTCCGGAACTGAGCGACCTCAGAGCCCTGGCAGCTCCAA-3'
Protein context (NP_065988.1, residues 9-29): FQTWGSSISR[Ser19Leu]SGTPGCSSGT

ClinVar aggregate classification (germline): Uncertain significance. Review status: criteria provided, multiple submitters, no conflicts (2 of 4 stars). 3 submissions from 3 submitters: Uncertain significance (3). Last evaluated 2024-04-15.

Conditions:
Spermatogenic failure 28. Identifiers: MedGen C4748117, MONDO:0054732, OMIM 618086.
Premature ovarian failure 15. Identifiers: MedGen C4748170, MONDO:0054862, OMIM 618096.
Fanconi anemia (FA). Also called: Fanconi's anemia. Identifiers: Orphanet 84, MedGen C0015625, MeSH D005199, MONDO:0019391.

Allele frequency attached by ClinVar (database versions not stated): gnomAD exomes below 0.00001 and 0.00003; TOPMed 0.00002; gnomAD 0.00003; ESP Exome Variant Server 0.00008.

Submissions (3):

Labcorp Genetics (formerly Invitae), Labcorp
Classification: Uncertain significance for Fanconi anemia. Last evaluated: 2024-04-15. Review status: criteria provided, single submitter. Criteria: Invitae Variant Classification Sherloc (09022015). Collection method: clinical testing. Allele origin: germline.
Comment: This sequence change replaces serine, which is neutral and polar, with leucine, which is neutral and non-polar, at codon 19 of the FANCM protein (p.Ser19Leu). This variant is present in population databases (rs201383385, gnomAD 0.0009%). This variant has not been reported in the literature in individuals affected with FANCM-related conditions. ClinVar contains an entry for this variant (Variation ID: 841002). An algorithm developed to predict the effect of missense changes on protein structure and function (PolyPhen-2) suggests that this variant¬†is likely to be tolerated. In summary, the available evidence is currently insufficient to determine the role of this variant in disease. Therefore, it has been classified as a Variant of Uncertain Significance.

GeneDx
Classification: Uncertain significance. Last evaluated: 2024-03-28. Review status: criteria provided, single submitter. Criteria: GeneDx Variant Classification Process June 2021. Collection method: clinical testing. Allele origin: germline. Affected: yes.
Comment: Not observed at significant frequency in large population cohorts (gnomAD); In silico analysis supports that this missense variant does not alter protein structure/function; Has not been previously published as pathogenic or benign to our knowledge

Fulgent Genetics
Classification: Uncertain significance for Spermatogenic failure 28; Premature ovarian failure 15. Last evaluated: 2022-04-26. Review status: criteria provided, single submitter. Criteria: ACMG Guidelines, 2015. Collection method: clinical testing. Allele origin: unknown.